The following is an entry in ClinVar:

ClinVar aggregate classification (germline): Pathogenic (1 of 4 stars; one submission).

Allele frequency attached by ClinVar (database versions not stated): gnomAD exomes below 0.00001; ExAC 0.00001.
gnomAD v4.1: 2 of 1,614,174 alleles (0.00012%); highest among the groups gnomAD compares: South Asian, 0.0011%; no homozygotes.

Submission:

Labcorp Genetics (formerly Invitae), Labcorp
Classification: Pathogenic. Last evaluated: 2022-11-22. Review status: criteria provided, single submitter. Criteria: Invitae Variant Classification Sherloc (09022015). Collection method: clinical testing. Allele origin: germline.
Comment: For these reasons, this variant has been classified as Pathogenic. ClinVar contains an entry for this variant (Variation ID: 1360675). This premature translational stop signal has been observed in individual(s) with clinical features of MYH3-related conditions (Invitae). This variant is present in population databases (rs750289236, gnomAD 0.0009%). This sequence change creates a premature translational stop signal (p.Arg1898*) in the MYH3 gene. It is expected to result in an absent or disrupted protein product. Loss-of-function variants in MYH3 are known to be pathogenic (PMID: 29805041, 30008475).

Literature cited by the submitters: PubMed 29805041; PubMed 30008475.

NM_002470.4(MYH3):c.5692C>T (p.Arg1898Ter)

Gene: MYH3 (myosin heavy chain 3; minus strand). Cytogenetic location: 17p13.1.
Variant type: single nucleotide variant.
Coding change: c.5692C>T on transcript NM_002470.4 (MANE Select); coding-DNA position 5692, C replaced by T.
Protein change: p.Arg1898Ter; replaces arginine 1898 with a stop codon.
Molecular consequence: nonsense.
Genome position (GRCh38, 1-based): chr17:10,629,701, G>A on the plus strand (C>T on the coding strand, the complement: MYH3 is on the minus strand). VCF-style: chr17-10629701-G-A. GRCh37 (hg19) VCF-style: chr17-10533018-G-A.
Other names: short protein forms R1898*.
Identifiers: ClinVar variation 1360675 (VCV001360675.6), dbSNP rs750289236, ClinGen allele CA8391825.